The following is an entry in ClinVar:

ClinVar aggregate classification (germline): Uncertain significance (1 of 4 stars; one submission).

Submission:

Labcorp Genetics (formerly Invitae), Labcorp
Classification: Uncertain significance. Last evaluated: 2024-06-25. Review status: criteria provided, single submitter. Criteria: Invitae Variant Classification Sherloc (09022015). Collection method: clinical testing. Allele origin: germline.
Comment: This sequence change replaces lysine, which is basic and polar, with arginine, which is basic and polar, at codon 92 of the MMP13 protein (p.Lys92Arg). This variant is not present in population databases (gnomAD no frequency). This variant has not been reported in the literature in individuals affected with MMP13-related conditions. Advanced modeling of protein sequence and biophysical properties (such as structural, functional, and spatial information, amino acid conservation, physicochemical variation, residue mobility, and thermodynamic stability) performed at Invitae indicates that this missense variant is not expected to disrupt MMP13 protein function with a negative predictive value of 80%. In summary, the available evidence is currently insufficient to determine the role of this variant in disease. Therefore, it has been classified as a Variant of Uncertain Significance.

NM_002427.4(MMP13):c.275A>G (p.Lys92Arg)

Genes: MMP13 (matrix metallopeptidase 13; minus strand), LOC126861318 (BRD4-independent group 4 enhancer GRCh37_chr11:102825894-102827093; plus strand). Cytogenetic location: 11q22.2.
Variant type: single nucleotide variant.
Coding change: c.275A>G on transcript NM_002427.4 (MANE Select); coding-DNA position 275, A replaced by G.
Protein change: p.Lys92Arg; replaces lysine 92 with arginine.
Molecular consequence: missense variant.
Genome position (GRCh38, 1-based): chr11:102,955,339, T>C on the plus strand (A>G on the coding strand, the complement: MMP13 is on the minus strand). VCF-style: chr11-102955339-T-C. GRCh37 (hg19) VCF-style: chr11-102826068-T-C.
Other names: short protein forms K92R.
Identifiers: ClinVar variation 3657820 (VCV003657820.2).